The following is an entry in ClinVar:

ClinVar aggregate classification (germline): Uncertain significance. Review status: criteria provided, multiple submitters, no conflicts (2 of 4 stars). 2 submissions from 2 submitters: Uncertain significance (2). Last evaluated 2026-04-21.

Conditions:
ACOX1-related disorder. Also called: ACOX1-related disorders; ACOX1-related condition.
Acyl-CoA oxidase deficiency. Also called: STRAIGHT-CHAIN ACYL-CoA OXIDASE DEFICIENCY; Pseudoneonatal adrenoleukodystrophy; Peroxisomal acyl-CoA oxidase deficiency. Identifiers: Orphanet 2971, MedGen C1849678, MONDO:0009919, OMIM 264470. Disease mechanism: loss of function.

Allele frequency attached by ClinVar (database versions not stated): ExAC 0.00002; gnomAD exomes 0.00002; gnomAD 0.00005; TOPMed 0.00012.
gnomAD v4.1: 37 of 1,613,944 alleles (0.0023%); highest among the groups gnomAD compares: Admixed American, 0.025%; no homozygotes.

Submissions (2):

PreventionGenetics, part of Exact Sciences
Classification: Uncertain significance for ACOX1-related condition. Last evaluated: 2026-04-21. Review status: criteria provided, single submitter. Criteria: ACMG Guidelines, 2015. Collection method: clinical testing. Allele origin: germline.
Comment: The ACOX1 c.1036G>A variant is predicted to result in the amino acid substitution p.Ala346Thr. To our knowledge, this variant has not been reported in the literature. This variant is reported in 0.017% of alleles in individuals of Latino descent in gnomAD. At this time, the clinical significance of this variant is uncertain due to the absence of conclusive functional and genetic evidence.

Labcorp Genetics (formerly Invitae), Labcorp
Classification: Uncertain significance for Acyl-CoA oxidase deficiency. Last evaluated: 2025-01-11. Review status: criteria provided, single submitter. Criteria: Invitae Variant Classification Sherloc (09022015). Collection method: clinical testing. Allele origin: germline.
Comment: This sequence change replaces alanine, which is neutral and non-polar, with threonine, which is neutral and polar, at codon 346 of the ACOX1 protein (p.Ala346Thr). This variant is present in population databases (rs754753043, gnomAD 0.02%). This variant has not been reported in the literature in individuals affected with ACOX1-related conditions. ClinVar contains an entry for this variant (Variation ID: 2145835). Invitae Evidence Modeling of protein sequence and biophysical properties (such as structural, functional, and spatial information, amino acid conservation, physicochemical variation, residue mobility, and thermodynamic stability) indicates that this missense variant is not expected to disrupt ACOX1 protein function with a negative predictive value of 80%. In summary, the available evidence is currently insufficient to determine the role of this variant in disease. Therefore, it has been classified as a Variant of Uncertain Significance.

NM_004035.7(ACOX1):c.1036G>A (p.Ala346Thr)

Gene: ACOX1 (acyl-CoA oxidase 1; minus strand). Cytogenetic location: 17q25.1.
Variant type: single nucleotide variant.
Coding change: c.1036G>A on transcript NM_004035.7 (MANE Select); coding-DNA position 1036, G replaced by A.
Protein change: p.Ala346Thr; replaces alanine 346 with threonine.
Molecular consequence: missense variant.
Genome position (GRCh38, 1-based): chr17:75,951,486, C>T on the plus strand (G>A on the coding strand, the complement: ACOX1 is on the minus strand). VCF-style: chr17-75951486-C-T. GRCh37 (hg19) VCF-style: chr17-73947567-C-T.
Other names: c.922G>A, p.Ala308Thr (NM_001185039.2); c.1036G>A, p.Ala346Thr (NM_007292.6); c.1036G>A (NM_004035.6); short protein forms A308T, A346T.
Identifiers: ClinVar variation 2145835 (VCV002145835.3), dbSNP rs754753043, ClinGen allele CA8776856.
Genomic context (GRCh38, chr17:75,951,486, plus strand): 5'-CACTCAGGTCCCCTTGACCAATGCCTTCGTTAATCCGGTGATAGGTCTCCTTCATGTATG[C>T]GCCCACAAACTGGAAGGCATAGGCAGTGGCCAGGAGTGGAAAGAGTTTATACTGCTGGGT-3'
Protein context (NP_004026.2, residues 336-356): ATAYAFQFVG[Ala346Thr]YMKETYHRIN